The following is an entry in ClinVar:

ClinVar aggregate classification (germline): Benign/Likely benign. Review status: criteria provided, multiple submitters, no conflicts (2 of 4 stars). 3 submissions from 3 submitters: Benign (1); Likely benign (2). Last evaluated 2025-08-01.

Conditions:
Familial cancer of breast. Also called: Hereditary breast cancer; BREAST CANCER, FAMILIAL; hereditary breast carcinoma. Identifiers: Orphanet 227535, MedGen C0346153, MONDO:0016419, OMIM 114480. Disease mechanism: loss of function.
Fanconi anemia complementation group J. Also called: BRIP1-Related Fanconi Anemia. Identifiers: Orphanet 84, MedGen C1836860, MONDO:0012187, OMIM 609054.

Submissions (3):

CeGaT Center for Human Genetics Tuebingen
Classification: Likely benign. Last evaluated: 2025-08-01. Review status: criteria provided, single submitter. Criteria: CeGaT Center For Human Genetics Tuebingen Variant Classification Criteria Version 2. Collection method: clinical testing. Allele origin: germline. Affected: yes. Observed: 1 variant allele.
Comment: BRIP1: PM2:Supporting, BP4, BP7

Myriad Genetics, Inc.
Classification: Benign for Familial cancer of breast. Last evaluated: 2024-08-26. Review status: criteria provided, single submitter. Criteria: Myriad Autosomal Dominant, Autosomal Recessive and X-Linked Classification Criteria (2023). Collection method: clinical testing. Allele origin: unknown.
Comment: This variant is considered benign. This variant is a silent/synonymous amino acid change and it is not expected to impact splicing.

Labcorp Genetics (formerly Invitae), Labcorp
Classification: Likely benign for Familial cancer of breast; Fanconi anemia complementation group J. Last evaluated: 2022-08-12. Review status: criteria provided, single submitter. Criteria: Invitae Variant Classification Sherloc (09022015). Collection method: clinical testing. Allele origin: germline.

NM_032043.3(BRIP1):c.1257G>T (p.Arg419=)

Gene: BRIP1 (BRCA1 interacting DNA helicase 1; minus strand). Cytogenetic location: 17q23.2.
Variant type: single nucleotide variant.
Coding change: c.1257G>T on transcript NM_032043.3 (MANE Select); coding-DNA position 1257, G replaced by T.
Protein change: p.Arg419=; no amino-acid change (arginine 419 retained).
Molecular consequence: synonymous variant.
Genome position (GRCh38, 1-based): chr17:61,799,183, C>A on the plus strand (G>T on the coding strand, the complement: BRIP1 is on the minus strand). VCF-style: chr17-61799183-C-A. GRCh37 (hg19) VCF-style: chr17-59876544-C-A.
Identifiers: ClinVar variation 2023672 (VCV002023672.13), dbSNP rs148429663, ClinGen allele CA501151517.